The following is an entry in ClinVar:

ClinVar aggregate classification (germline): Uncertain significance. Review status: criteria provided, multiple submitters, no conflicts (2 of 4 stars). 2 submissions from 2 submitters: Uncertain significance (2). Last evaluated 2025-11-09.

Conditions:
Menkes kinky-hair syndrome (MNK). Also called: Copper transport disease; Classic Menkes Disease; Menkes Disease. Identifiers: Orphanet 565, MedGen C0022716, MONDO:0010651, OMIM 309400.
Cutis laxa, X-linked (OHS). Also called: EDS IX; Occipital horn syndrome. Identifiers: Orphanet 198, MedGen C0268353, MONDO:0010572, OMIM 304150.
X-linked distal spinal muscular atrophy type 3. Also called: SPINAL MUSCULAR ATROPHY, DISTAL, X-LINKED RECESSIVE; ATP7A-Related Distal Motor Neuropathy; NEURONOPATHY, DISTAL HEREDITARY MOTOR, X-LINKED; NEUROPATHY, DISTAL HEREDITARY MOTOR, X-LINKED. Identifiers: Orphanet 139557, MedGen C1845359, MONDO:0010338, OMIM 300489.

gnomAD v4.1: 1 of 1,202,406 alleles (0.000083%); no homozygotes.

Submissions (2):

Labcorp Genetics (formerly Invitae), Labcorp
Classification: Uncertain significance for X-linked distal spinal muscular atrophy type 3; Cutis laxa, X-linked; Menkes kinky-hair syndrome. Last evaluated: 2025-11-09. Review status: criteria provided, single submitter. Criteria: Invitae Variant Classification Sherloc (09022015). Collection method: clinical testing. Allele origin: germline.
Comment: This sequence change replaces lysine, which is basic and polar, with glutamic acid, which is acidic and polar, at codon 46 of the ATP7A protein (p.Lys46Glu). This variant is not present in population databases (gnomAD no frequency). This variant has not been reported in the literature in individuals affected with ATP7A-related conditions. ClinVar contains an entry for this variant (Variation ID: 1698350). Invitae Evidence Modeling of protein sequence and biophysical properties (such as structural, functional, and spatial information, amino acid conservation, physicochemical variation, residue mobility, and thermodynamic stability) indicates that this missense variant is not expected to disrupt ATP7A protein function with a negative predictive value of 95%. In summary, the available evidence is currently insufficient to determine the role of this variant in disease. Therefore, it has been classified as a Variant of Uncertain Significance.

GeneDx
Classification: Uncertain significance. Last evaluated: 2022-01-21. Review status: criteria provided, single submitter. Criteria: GeneDx Variant Classification Process June 2021. Collection method: clinical testing. Allele origin: germline. Affected: yes.
Comment: Not observed at significant frequency in large population cohorts (gnomAD); In silico analysis supports that this missense variant does not alter protein structure/function; Has not been previously published as pathogenic or benign to our knowledge

NM_000052.7(ATP7A):c.136A>G (p.Lys46Glu)

Gene: ATP7A (ATPase copper transporting alpha; plus strand). Cytogenetic location: Xq21.1.
Variant type: single nucleotide variant.
Coding change: c.136A>G on transcript NM_000052.7 (MANE Select); coding-DNA position 136, A replaced by G.
Protein change: p.Lys46Glu; replaces lysine 46 with glutamic acid.
Molecular consequence: missense variant.
Genome position (GRCh38, 1-based): chrX:77,988,257, A>G. VCF-style: chrX-77988257-A-G. GRCh37 (hg19) VCF-style: chrX-77243753-A-G.
Other names: c.136A>G, p.Lys46Glu (NM_001282224.2); short protein forms K46E.
Identifiers: ClinVar variation 1698350 (VCV001698350.7), dbSNP rs1603381269, ClinGen allele CA413598756.
Genomic context (GRCh38, chrX:77,988,257, plus strand): 5'-TGATAGAATTTAATTAAACTGACTTTTGGAATTTCCTTCCAAAAGGTATCACTGGAAGAA[A>G]AAAATGCAACTATTATTTATGACCCTAAACTACAGACTCCAAAGACCCTACAGGAAGCTA-3'
Protein context (NP_000043.4, residues 36-56): VHHIKVSLEE[Lys46Glu]NATIIYDPKL